The following is an entry in ClinVar:

NM_020461.4(TUBGCP6):c.3914C>T (p.Ala1305Val)

Gene: TUBGCP6 (tubulin gamma complex component 6; minus strand). Cytogenetic location: 22q13.33.
Variant type: single nucleotide variant.
Coding change: c.3914C>T on transcript NM_020461.4 (MANE Select); coding-DNA position 3914, C replaced by T.
Protein change: p.Ala1305Val; replaces alanine 1305 with valine.
Molecular consequence: missense variant.
Genome position (GRCh38, 1-based): chr22:50,220,445, G>A on the plus strand (C>T on the coding strand, the complement: TUBGCP6 is on the minus strand). VCF-style: chr22-50220445-G-A. GRCh37 (hg19) VCF-style: chr22-50658874-G-A.
Other names: short protein forms A1305V.
Identifiers: ClinVar variation 836017 (VCV000836017.8), dbSNP rs534573320, ClinGen allele CA10307783.

ClinVar aggregate classification (germline): Uncertain significance. Review status: criteria provided, multiple submitters, no conflicts (2 of 4 stars). 2 submissions from 2 submitters: Uncertain significance (2). Last evaluated 2025-02-03.

Conditions:
Inborn genetic diseases. Identifiers: MedGen C0950123, MeSH D030342.

Allele frequency attached by ClinVar (database versions not stated): TOPMed 0.00015; 1000 Genomes Project 0.00040; 1000 Genomes Project 30x 0.00047.
gnomAD v4.1: 132 of 1,612,260 alleles (0.0082%); highest among the groups gnomAD compares: Admixed American, 0.067%; 1 homozygote.

Submissions (2):

Labcorp Genetics (formerly Invitae), Labcorp
Classification: Uncertain significance. Last evaluated: 2025-02-03. Review status: criteria provided, single submitter. Criteria: Invitae Variant Classification Sherloc (09022015). Collection method: clinical testing. Allele origin: germline.
Comment: This sequence change replaces alanine, which is neutral and non-polar, with valine, which is neutral and non-polar, at codon 1305 of the TUBGCP6 protein (p.Ala1305Val). This variant is present in population databases (rs534573320, gnomAD 0.02%). This variant has not been reported in the literature in individuals affected with TUBGCP6-related conditions. ClinVar contains an entry for this variant (Variation ID: 836017). An algorithm developed to predict the effect of missense changes on protein structure and function outputs the following: PolyPhen-2: "Benign". The valine amino acid residue is found in multiple mammalian species, which suggests that this missense change does not adversely affect protein function. In summary, the available evidence is currently insufficient to determine the role of this variant in disease. Therefore, it has been classified as a Variant of Uncertain Significance.

Ambry Genetics
Classification: Uncertain significance for Inborn genetic diseases. Last evaluated: 2024-08-20. Review status: criteria provided, single submitter. Criteria: Ambry Variant Classification Scheme 2023. Collection method: clinical testing. Allele origin: germline.